The following is an entry in ClinVar:

NM_025114.4(CEP290):c.1255A>G (p.Lys419Glu)

Gene: CEP290 (centrosomal protein 290; minus strand). Cytogenetic location: 12q21.32.
Variant type: single nucleotide variant.
Coding change: c.1255A>G on transcript NM_025114.4 (MANE Select); coding-DNA position 1255, A replaced by G.
Protein change: p.Lys419Glu; replaces lysine 419 with glutamic acid.
Molecular consequence: missense variant.
Genome position (GRCh38, 1-based): chr12:88,121,101, T>C on the plus strand (A>G on the coding strand, the complement: CEP290 is on the minus strand). VCF-style: chr12-88121101-T-C. GRCh37 (hg19) VCF-style: chr12-88514878-T-C.
Other names: c.1255A>G (NM_025114.3); short protein forms K419E.
Identifiers: ClinVar variation 1009466 (VCV001009466.9), dbSNP rs376808205, ClinGen allele CA6712590.

ClinVar aggregate classification (germline): Uncertain significance. Review status: criteria provided, multiple submitters, no conflicts (2 of 4 stars). 4 submissions from 4 submitters: Uncertain significance (2). 2 of the submissions do not count toward it. Last evaluated 2022-08-16.

Conditions:
CEP290-related disorder. Also called: CEP290-related condition; CEP290-related disorders. Identifiers: MedGen CN239314.
Joubert syndrome. Also called: Familial aplasia of the vermis; CEREBELLOPARENCHYMAL DISORDER IV; JOUBERT-BOLTSHAUSER SYNDROME. Identifiers: Orphanet 475, MedGen C5979921, MONDO:0018772.
Meckel-Gruber syndrome. Also called: Dysencephalia splachnocystica; DYSENCEPHALIA SPLANCHNOCYSTICA; GRUBER SYNDROME. Identifiers: Orphanet 564, MedGen C0265215, MONDO:0018921.
Nephronophthisis. Also called: Juvenile Nephronophthisis. Identifiers: Orphanet 655, MedGen C0687120, MONDO:0019005, HP:0000090.
Leber congenital amaurosis (LCA). Also called: Leber's amaurosis. Identifiers: Orphanet 65, MedGen C0339527, MeSH D057130, MONDO:0018998.
Leber congenital amaurosis 10 (LCA10). Identifiers: Orphanet 65, MedGen C1857821, MONDO:0012723, OMIM 611755.
Meckel syndrome, type 4 (MKS4). Also called: MECKEL-GRUBER SYNDROME, TYPE 4. Identifiers: Orphanet 564, MedGen C1970161, MONDO:0012626, OMIM 611134.
Joubert syndrome 5 (JBTS5). Identifiers: Orphanet 2318, MedGen C1857780, MONDO:0012432, OMIM 610188.
Bardet-Biedl syndrome 14 (BBS14). Identifiers: Orphanet 110, MedGen C2673874, MONDO:0014442, OMIM 615991.
Senior-Loken syndrome 6 (SLSN6). Identifiers: Orphanet 3156, MedGen C1857779, MONDO:0012433, OMIM 610189.

Allele frequency attached by ClinVar (database versions not stated): ExAC 0.00002; ESP Exome Variant Server 0.00008; gnomAD 0.00001; gnomAD exomes 0.00001; TOPMed 0.00001.
gnomAD v4.1: 8 of 1,613,406 alleles (0.0005%); highest among the groups gnomAD compares: African/African-American, 0.0013%; no homozygotes.

Submissions (4):

Labcorp Genetics (formerly Invitae), Labcorp
Classification: Uncertain significance for Joubert syndrome; Meckel-Gruber syndrome; Nephronophthisis. Last evaluated: 2022-08-16. Review status: criteria provided, single submitter. Criteria: Invitae Variant Classification Sherloc (09022015). Collection method: clinical testing. Allele origin: germline.
Comment: This sequence change replaces lysine, which is basic and polar, with glutamic acid, which is acidic and polar, at codon 419 of the CEP290 protein (p.Lys419Glu). This variant is present in population databases (rs376808205, gnomAD 0.003%). This variant has not been reported in the literature in individuals affected with CEP290-related conditions. ClinVar contains an entry for this variant (Variation ID: 1009466). Algorithms developed to predict the effect of missense changes on protein structure and function are either unavailable or do not agree on the potential impact of this missense change (SIFT: "Deleterious"; PolyPhen-2: "Benign"; Align-GVGD: "Class C0"). In summary, the available evidence is currently insufficient to determine the role of this variant in disease. Therefore, it has been classified as a Variant of Uncertain Significance.

Fulgent Genetics
Classification: Uncertain significance for Joubert syndrome 5; Senior-Loken syndrome 6; Meckel syndrome, type 4; Leber congenital amaurosis 10; Bardet-Biedl syndrome 14. Last evaluated: 2021-11-01. Review status: criteria provided, single submitter. Criteria: ACMG Guidelines, 2015. Collection method: clinical testing. Allele origin: unknown.

PreventionGenetics, part of Exact Sciences
Classification: Uncertain significance for CEP290-related condition. Last evaluated: 2024-03-23. Review status: no assertion criteria provided. Collection method: clinical testing. Allele origin: germline. Not counted in ClinVar's aggregate classification.
Comment: The CEP290 c.1255A>G variant is predicted to result in the amino acid substitution p.Lys419Glu. To our knowledge, this variant has not been reported in the literature. This variant is reported in 0.0027% of alleles in individuals of European (Non-Finnish) descent in gnomAD. At this time, the clinical significance of this variant is uncertain due to the absence of conclusive functional and genetic evidence.

Natera, Inc.
Classification: Uncertain significance for Leber congenital amaurosis. Last evaluated: 2020-03-17. Review status: no assertion criteria provided. Collection method: clinical testing. Allele origin: germline. Not counted in ClinVar's aggregate classification.